The following is an entry in ClinVar:

ClinVar aggregate classification (germline): Uncertain significance. Review status: criteria provided, multiple submitters, no conflicts (2 of 4 stars). 3 submissions from 3 submitters: Uncertain significance (2). 1 of the submissions does not count toward it. Last evaluated 2025-09-29.

Conditions:
VWF-related disorder. Also called: VWF-related condition; VWF-related disorders.

Allele frequency attached by ClinVar (database versions not stated): gnomAD exomes 0.00005 and 0.00014; TOPMed 0.00007; ESP Exome Variant Server 0.00008; ExAC 0.00010; gnomAD 0.00004.
gnomAD v4.1: 79 of 1,613,648 alleles (0.0049%); highest among the groups gnomAD compares: Admixed American, 0.013%; no homozygotes.

Submissions (3):

Quest Diagnostics Nichols Institute San Juan Capistrano
Classification: Uncertain significance. Last evaluated: 2025-09-29. Review status: criteria provided, single submitter. Criteria: Quest Diagnostics criteria. Collection method: clinical testing. Allele origin: unknown.
Comment: The VWF c.5785A>T (p.Asn1929Tyr) variant, to the best of our knowledge, has not been reported in individuals with VWF-related conditions in the published literature. The frequency of this variant in the general population (Genome Aggregation Database) is uninformative in the assessment of its pathogenicity. Analysis of this variant using bioinformatics tools for the prediction of the effect of amino acid changes on protein structure and function yielded predictions that this variant is damaging. Based on the available information, we are unable to determine the clinical significance of this variant.

Blueprint Genetics
Classification: Uncertain significance. Last evaluated: 2024-10-24. Review status: criteria provided, single submitter. Criteria: ACMG Guidelines, 2015. Collection method: clinical testing. Allele origin: germline.

PreventionGenetics, part of Exact Sciences
Classification: Uncertain significance for VWF-related condition. Last evaluated: 2024-06-28. Review status: no assertion criteria provided. Collection method: clinical testing. Allele origin: germline. Not counted in ClinVar's aggregate classification.
Comment: The VWF c.5785A>T variant is predicted to result in the amino acid substitution p.Asn1929Tyr. To our knowledge, this variant has not been reported in the literature. This variant is reported in 0.25% of alleles in individuals of Ashkenazi Jewish descent in gnomAD. This variant falls within a highly paralogous region. Allele frequency data should be interpreted with caution. At this time, the clinical significance of this variant is uncertain due to the absence of conclusive functional and genetic evidence.

Literature cited by the submitters: PubMed 23690449 (cited by Quest Diagnostics Nichols Institute San Juan Capistrano).

NM_000552.5(VWF):c.5785A>T (p.Asn1929Tyr)

Gene: VWF (von Willebrand factor; minus strand). Cytogenetic location: 12p13.31.
Variant type: single nucleotide variant.
Coding change: c.5785A>T on transcript NM_000552.5 (MANE Select); coding-DNA position 5785, A replaced by T.
Protein change: p.Asn1929Tyr; replaces asparagine 1929 with tyrosine.
Molecular consequence: missense variant.
Genome position (GRCh38, 1-based): chr12:6,011,674, T>A on the plus strand (A>T on the coding strand, the complement: VWF is on the minus strand). VCF-style: chr12-6011674-T-A. GRCh37 (hg19) VCF-style: chr12-6120840-T-A.
Other names: c.5785A>T (NM_000552.4); short protein forms N1929Y.
Identifiers: ClinVar variation 310056 (VCV000310056.8), dbSNP rs149799233, ClinGen allele CA6402158.
Genomic context (GRCh38, chr12:6,011,674, plus strand): 5'-CACAGGGGCAGGTCCAGCGGCAGCCACAGGTCTCTTCCACTTTAACAGGGGACTGGCTGT[T>A]AGGGCACGAAGGCCTCAGCCCCCGGTCACAGTTGACCCGATGACTCTTCAGCAAGGTCTG-3'
Protein context (NP_000543.3, residues 1919-1939): CDRGLRPSCP[Asn1929Tyr]SQSPVKVEET